The following is an entry in ClinVar:

ClinVar aggregate classification (germline): Uncertain significance (1 of 4 stars; one submission).

Conditions:
Developmental and epileptic encephalopathy, 23 (DEE23). Also called: Epileptic encephalopathy, early infantile, 23. Identifiers: Orphanet 411986, MedGen C4014492, MONDO:0014371, OMIM 615859.

Allele frequency attached by ClinVar (database versions not stated): gnomAD exomes below 0.00001.
gnomAD v4.1: 1 of 1,613,788 alleles (0.000062%); highest among the groups gnomAD compares: Non-Finnish European, 0.000085%; no homozygotes.

Submission:

Labcorp Genetics (formerly Invitae), Labcorp
Classification: Uncertain significance for Developmental and epileptic encephalopathy, 23. Last evaluated: 2021-08-26. Review status: criteria provided, single submitter. Criteria: Invitae Variant Classification Sherloc (09022015). Collection method: clinical testing. Allele origin: germline.
Comment: This sequence change replaces phenylalanine with leucine at codon 818 of the DOCK7 protein (p.Phe818Leu). The phenylalanine residue is highly conserved and there is a small physicochemical difference between phenylalanine and leucine. This variant is not present in population databases (ExAC no frequency). This variant has not been reported in the literature in individuals affected with DOCK7-related conditions. Algorithms developed to predict the effect of missense changes on protein structure and function are either unavailable or do not agree on the potential impact of this missense change (SIFT: "Deleterious"; PolyPhen-2: "Possibly Damaging"; Align-GVGD: "Class C0"). In summary, the available evidence is currently insufficient to determine the role of this variant in disease. Therefore, it has been classified as a Variant of Uncertain Significance.

NM_001367561.1(DOCK7):c.2454T>G (p.Phe818Leu)

Gene: DOCK7 (dedicator of cytokinesis 7; minus strand). Cytogenetic location: 1p31.3.
Variant type: single nucleotide variant.
Coding change: c.2454T>G on transcript NM_001367561.1 (MANE Select); coding-DNA position 2454, T replaced by G.
Protein change: p.Phe818Leu; replaces phenylalanine 818 with leucine.
Molecular consequence: missense variant.
Genome position (GRCh38, 1-based): chr1:62,555,967, A>C on the plus strand (T>G on the coding strand, the complement: DOCK7 is on the minus strand). VCF-style: chr1-62555967-A-C. GRCh37 (hg19) VCF-style: chr1-63021638-A-C.
Other names: c.2454T>G, p.Phe818Leu (NM_001271999.2, NM_001272000.2, NM_001272001.2 and 2 more transcripts); short protein forms F818L.
Identifiers: ClinVar variation 945813 (VCV000945813.7), dbSNP rs111684839, ClinGen allele CA340623836.
Genomic context (GRCh38, chr1:62,555,967, plus strand): 5'-CTGGTCATGATTTCCTTCCAAGTTTTTGTGAAGTCGATTTATAATTGATGCCATGGCTTC[A>C]AAAGATGCTTGACCTAGGTTAACTTTTAAGAAAGAAGAAGTATTTACCTTTGCTTTAACT-3'
Protein context (NP_001354490.1, residues 808-828): GQIVNLGQAS[Phe818Leu]EAMASIINRL